The following is an entry in ClinVar:

NM_001378454.1(ALMS1):c.1607C>G (p.Thr536Ser)

Gene: ALMS1 (ALMS1 centrosome and basal body associated protein; plus strand). Cytogenetic location: 2p13.1.
Variant type: single nucleotide variant.
Coding change: c.1607C>G on transcript NM_001378454.1 (MANE Select); coding-DNA position 1607, C replaced by G.
Protein change: p.Thr536Ser; replaces threonine 536 with serine.
Molecular consequence: missense variant.
Genome position (GRCh38, 1-based): chr2:73,448,134, C>G. VCF-style: chr2-73448134-C-G. GRCh37 (hg19) VCF-style: chr2-73675261-C-G.
Other names: c.1610C>G, p.Thr537Ser (NM_015120.4); short protein forms T536S, T537S.
Identifiers: ClinVar variation 1063613 (VCV001063613.9), dbSNP rs766105909, ClinGen allele CA1713198.

ClinVar aggregate classification (germline): Uncertain significance. Review status: criteria provided, multiple submitters, no conflicts (2 of 4 stars). 4 submissions from 4 submitters: Uncertain significance (3). 1 of the submissions does not count toward it. Last evaluated 2023-10-02.

Conditions:
Cardiovascular phenotype. Identifiers: MedGen CN230736.
Alstrom syndrome (ALMS). Identifiers: Orphanet 64, MedGen C0268425, MONDO:0008763, OMIM 203800.

Allele frequency attached by ClinVar (database versions not stated): gnomAD 0.00003; gnomAD exomes 0.00003; ExAC 0.00004.
gnomAD v4.1: 125 of 1,613,822 alleles (0.0077%); highest among the groups gnomAD compares: Non-Finnish European, 0.01%; no homozygotes.

Submissions (4):

GeneDx
Classification: Uncertain significance. Last evaluated: 2023-10-02. Review status: criteria provided, single submitter. Criteria: GeneDx Variant Classification Process June 2021. Collection method: clinical testing. Allele origin: germline. Affected: yes.
Comment: Not observed at significant frequency in large population cohorts (gnomAD); In silico analysis supports that this missense variant does not alter protein structure/function; Has not been previously published as pathogenic or benign to our knowledge

Labcorp Genetics (formerly Invitae), Labcorp
Classification: Uncertain significance for Alstrom syndrome. Last evaluated: 2022-04-07. Review status: criteria provided, single submitter. Criteria: Invitae Variant Classification Sherloc (09022015). Collection method: clinical testing. Allele origin: germline.
Comment: This sequence change replaces threonine, which is neutral and polar, with serine, which is neutral and polar, at codon 537 of the ALMS1 protein (p.Thr537Ser). This variant is present in population databases (rs766105909, gnomAD 0.006%). This variant has not been reported in the literature in individuals affected with ALMS1-related conditions. ClinVar contains an entry for this variant (Variation ID: 1063613). Algorithms developed to predict the effect of missense changes on protein structure and function output the following: SIFT: "Not Available"; PolyPhen-2: "Not Available"; Align-GVGD: "Not Available". The serine amino acid residue is found in multiple mammalian species, which suggests that this missense change does not adversely affect protein function. In summary, the available evidence is currently insufficient to determine the role of this variant in disease. Therefore, it has been classified as a Variant of Uncertain Significance.

Ambry Genetics
Classification: Uncertain significance for Cardiovascular phenotype. Last evaluated: 2021-09-28. Review status: criteria provided, single submitter. Criteria: Ambry Variant Classification Scheme 2023. Collection method: clinical testing. Allele origin: germline.
Comment: The p.T537S variant (also known as c.1610C>G), located in coding exon 8 of the ALMS1 gene, results from a C to G substitution at nucleotide position 1610. The threonine at codon 537 is replaced by serine, an amino acid with similar properties. This amino acid position is not well conserved in available vertebrate species. In addition, this alteration is predicted to be tolerated by in silico analysis. Since supporting evidence is limited at this time, the clinical significance of this alteration remains unclear.

Natera, Inc.
Classification: Uncertain significance for Alstrom syndrome. Last evaluated: 2021-01-21. Review status: no assertion criteria provided. Collection method: clinical testing. Allele origin: germline. Not counted in ClinVar's aggregate classification.